The following is an entry in ClinVar:

NM_133261.3(GIPC3):c.40A>G (p.Thr14Ala)

Gene: GIPC3 (GIPC PDZ domain containing family member 3; plus strand). Cytogenetic location: 19p13.3.
Variant type: single nucleotide variant.
Coding change: c.40A>G on transcript NM_133261.3 (MANE Select); coding-DNA position 40, A replaced by G.
Protein change: p.Thr14Ala; replaces threonine 14 with alanine.
Molecular consequence: missense variant.
Genome position (GRCh38, 1-based): chr19:3,585,637, A>G. VCF-style: chr19-3585637-A-G. GRCh37 (hg19) VCF-style: chr19-3585635-A-G.
Other names: c.40A>G, p.Thr14Ala (NM_001411144.1); short protein forms T14A.
Identifiers: ClinVar variation 4075538 (VCV004075538.1).

ClinVar aggregate classification (germline): Uncertain significance (1 of 4 stars; one submission).

gnomAD v4.1: 2 of 1,188,608 alleles (0.00017%); no homozygotes.

Submission:

GeneDx
Classification: Uncertain significance. Last evaluated: 2025-02-11. Review status: criteria provided, single submitter. Criteria: GeneDx Variant Classification Process June 2021. Collection method: clinical testing. Allele origin: germline. Affected: yes.
Comment: Not observed at significant frequency in large population cohorts (gnomAD); In silico analysis indicates that this missense variant does not alter protein structure/function; Has not been previously published as pathogenic or benign to our knowledge